The following is an entry in ClinVar:

NM_018979.4(WNK1):c.1188G>A (p.Glu396=)

Gene: WNK1 (WNK lysine deficient protein kinase 1; plus strand). Cytogenetic location: 12p13.33.
Variant type: single nucleotide variant.
Coding change: c.1188G>A on transcript NM_018979.4 (MANE Select); coding-DNA position 1188, G replaced by A.
Protein change: p.Glu396=; no amino-acid change (glutamic acid 396 retained).
Molecular consequence: synonymous variant.
Genome position (GRCh38, 1-based): chr12:830,037, G>A. VCF-style: chr12-830037-G-A. GRCh37 (hg19) VCF-style: chr12-939203-G-A.
Other names: c.1188G>A, p.Glu396= (NM_001184985.2, NM_014823.3, NM_213655.5).
Identifiers: ClinVar variation 4983373 (VCV004983373.1).
Genomic context (GRCh38, chr12:830,037, plus strand): 5'-AGTCTGAATCGTTCTTTTAATTTAAGGTACCCCAGAGTTCATGGCCCCTGAGATGTATGA[G>A]GAGAAATATGATGAATCCGTTGACGTTTATGCTTTTGGGATGTGCATGCTTGAGATGGCT-3'
Protein context (NP_061852.3, residues 386-406): TPEFMAPEMY[Glu396=]EKYDESVDVY

ClinVar aggregate classification (germline): Likely benign (1 of 4 stars; one submission).

Conditions:
WNK1-related disorder. Also called: WNK1-related condition.

Submission:

PreventionGenetics, part of Exact Sciences
Classification: Likely benign for WNK1-related condition. Last evaluated: 2025-02-28. Review status: criteria provided, single submitter. Criteria: ACMG Guidelines, 2015. Collection method: clinical testing. Allele origin: germline.
Comment: This variant is classified as likely benign based on ACMG/AMP sequence variant interpretation guidelines (Richards et al. 2015 PMID: 25741868, with internal and published modifications).